The following is an entry in ClinVar:

NM_014908.4(DOLK):c.1591T>C (p.Tyr531His)

Gene: DOLK (dolichol kinase; minus strand). Cytogenetic location: 9q34.11.
Variant type: single nucleotide variant.
Coding change: c.1591T>C on transcript NM_014908.4 (MANE Select); coding-DNA position 1591, T replaced by C.
Protein change: p.Tyr531His; replaces tyrosine 531 with histidine.
Molecular consequence: missense variant.
Genome position (GRCh38, 1-based): chr9:128,945,713, A>G on the plus strand (T>C on the coding strand, the complement: DOLK is on the minus strand). VCF-style: chr9-128945713-A-G. GRCh37 (hg19) VCF-style: chr9-131707992-A-G.
Other names: short protein forms Y531H.
Identifiers: ClinVar variation 5037789 (VCV005037789.1).

ClinVar aggregate classification (germline): Uncertain significance (1 of 4 stars; one submission).

Conditions:
Cardiovascular phenotype. Identifiers: MedGen CN230736.

Submission:

Molecular Diagnostic Laboratory for Inherited Cardiovascular Disease, Montreal Heart Institute
Classification: Uncertain significance for Cardiovascular phenotype. Last evaluated: 2026-09-21. Review status: criteria provided, single submitter. Criteria: ACMG Guidelines, 2015. Collection method: clinical testing. Allele origin: germline. Affected: yes.
Comment: PM2, PP3